The following is an entry in ClinVar:

NM_007194.4(CHEK2):c.161del (p.His54fs)

Gene: CHEK2 (checkpoint kinase 2; minus strand). Cytogenetic location: 22q12.1.
Variant type: Deletion.
Coding change: c.161del on transcript NM_007194.4 (MANE Select); coding-DNA position 161, one base deleted (A; older notation c.161delA).
Protein change: p.His54fs; shifts the reading frame from histidine 54.
Molecular consequence: frameshift variant.
Genome position (GRCh38, 1-based): chr22:28,734,561, T deleted on the plus strand (A on the coding strand, the reverse complement: CHEK2 is on the minus strand). VCF-style (leftmost placement, unchanged base first): chr22-28734560-GT-G. GRCh37 (hg19) VCF-style: chr22-29130548-GT-G.
Other names: c.161delA, p.His54Profs (NM_001005735.3, NM_001349956.3, NM_145862.3); c.-617delA (NM_001257387.3); short protein forms H54fs.
Identifiers: ClinVar variation 3832948 (VCV003832948.2).

ClinVar aggregate classification (germline): Pathogenic. Review status: criteria provided, multiple submitters, no conflicts (2 of 4 stars). 2 submissions from 2 submitters: Pathogenic (2). Last evaluated 2025-03-12.

Conditions:
Hereditary cancer-predisposing syndrome. Also called: Hereditary neoplastic syndrome; Neoplastic Syndromes, Hereditary; Tumor predisposition; Hereditary Cancer Syndrome. Identifiers: Orphanet 140162, MedGen C0027672, MeSH D009386, MONDO:0015356.
Familial cancer of breast. Also called: BREAST CANCER, FAMILIAL; hereditary breast carcinoma; Hereditary breast cancer. Identifiers: Orphanet 227535, MedGen C0346153, MONDO:0016419, OMIM 114480. Disease mechanism: loss of function.

Submissions (2):

Ambry Genetics
Classification: Pathogenic for Hereditary cancer-predisposing syndrome. Last evaluated: 2025-03-12. Review status: criteria provided, single submitter. Criteria: Ambry Variant Classification Scheme 2023. Collection method: clinical testing. Allele origin: germline.
Comment: The c.161delA pathogenic mutation, located in coding exon 1 of the CHEK2 gene, results from a deletion of one nucleotide at nucleotide position 161, causing a translational frameshift with a predicted alternate stop codon (p.H54Pfs*7). This alteration is expected to result in loss of function by premature protein truncation or nonsense-mediated mRNA decay. As such, this alteration is interpreted as a disease-causing mutation.

Labcorp Genetics (formerly Invitae), Labcorp
Classification: Pathogenic for Familial cancer of breast. Last evaluated: 2025-02-10. Review status: criteria provided, single submitter. Criteria: Invitae Variant Classification Sherloc (09022015). Collection method: clinical testing. Allele origin: germline.
Comment: This sequence change creates a premature translational stop signal (p.His54Profs*7) in the CHEK2 gene. It is expected to result in an absent or disrupted protein product. Loss-of-function variants in CHEK2 are known to be pathogenic (PMID: 21876083, 24713400). This variant is not present in population databases (gnomAD no frequency). This variant has not been reported in the literature in individuals affected with CHEK2-related conditions. For these reasons, this variant has been classified as Pathogenic.

Literature cited by the submitters: PubMed 21876083 (cited by Labcorp Genetics (formerly Invitae), Labcorp); PubMed 24713400 (cited by Labcorp Genetics (formerly Invitae), Labcorp).